The following is an entry in ClinVar:

ClinVar aggregate classification (germline): Uncertain significance (1 of 4 stars; one submission).

Conditions:
Hereditary cancer-predisposing syndrome. Also called: Neoplastic Syndromes, Hereditary; Tumor predisposition; Hereditary Cancer Syndrome; Hereditary neoplastic syndrome. Identifiers: Orphanet 140162, MedGen C0027672, MeSH D009386, MONDO:0015356.

Submission:

Ambry Genetics
Classification: Uncertain significance for Hereditary cancer-predisposing syndrome. Last evaluated: 2025-09-10. Review status: criteria provided, single submitter. Criteria: Ambry Variant Classification Scheme 2023. Collection method: clinical testing. Allele origin: germline.
Comment: The p.P201T variant (also known as c.601C>A), located in coding exon 6 of the BMPR1A gene, results from a C to A substitution at nucleotide position 601. The proline at codon 201 is replaced by threonine, an amino acid with highly similar properties. This amino acid position is conserved. In addition, the in silico prediction for this alteration is inconclusive. Based on the available evidence, the clinical significance of this variant remains unclear.

NM_004329.3(BMPR1A):c.601C>A (p.Pro201Thr)

Gene: BMPR1A (bone morphogenetic protein receptor type 1A; plus strand). Cytogenetic location: 10q23.2.
Variant type: single nucleotide variant.
Coding change: c.601C>A on transcript NM_004329.3 (MANE Select); coding-DNA position 601, C replaced by A.
Protein change: p.Pro201Thr; replaces proline 201 with threonine.
Molecular consequence: missense variant. On other transcripts: non-coding transcript variant (3), intron variant (1).
Genome position (GRCh38, 1-based): chr10:86,912,310, C>A. VCF-style: chr10-86912310-C-A. GRCh37 (hg19) VCF-style: chr10-88672067-C-A.
Other names: c.601C>A, p.Pro201Thr (NM_001406569.1, NM_001406570.1, NM_001406571.1 and 20 more transcripts); c.517C>A, p.Pro173Thr (NM_001406584.1, NM_001406585.1, NM_001406586.1 and 2 more transcripts); c.334-4824C>A (NM_001406589.1); c.676C>A, p.Pro226Thr (NM_001406559.1); c.649C>A, p.Pro217Thr (NM_001406560.1); short protein forms P226T, P217T, P173T, P201T.
Identifiers: ClinVar variation 4214386 (VCV004214386.1).